The following is an entry in ClinVar:

ClinVar aggregate classification (germline): Pathogenic/Likely pathogenic. Review status: criteria provided, multiple submitters, no conflicts (2 of 4 stars). 2 submissions from 2 submitters: Pathogenic (1); Likely pathogenic (1). Last evaluated 2024-09-14.

Conditions:
Pierson syndrome. Also called: MICROCORIA-CONGENITAL NEPHROTIC SYNDROME. Identifiers: Orphanet 2670, MedGen C1836876, MONDO:0012184, OMIM 609049.
LAMB2-related infantile-onset nephrotic syndrome. Also called: NEPHROTIC SYNDROME, TYPE 5, WITHOUT OCULAR ABNORMALITIES; NEPHROTIC SYNDROME, TYPE 5, WITH OCULAR ABNORMALITIES; Nephrotic Syndrome, type 5. Identifiers: Orphanet 306507, MedGen C3280113, MONDO:0013621, OMIM 614199.
LAMB2-related disorder. Also called: LAMB2-related condition.

Allele frequency attached by ClinVar (database versions not stated): gnomAD exomes 0.00001; TOPMed 0.00001; ExAC 0.00002.
gnomAD v4.1: 16 of 1,613,610 alleles (0.00099%); highest among the groups gnomAD compares: Admixed American, 0.005%; no homozygotes.

Submissions (2):

Labcorp Genetics (formerly Invitae), Labcorp
Classification: Pathogenic for LAMB2-related infantile-onset nephrotic syndrome; Pierson syndrome. Last evaluated: 2024-09-14. Review status: criteria provided, single submitter. Criteria: Invitae Variant Classification Sherloc (09022015). Collection method: clinical testing. Allele origin: germline.
Comment: This sequence change creates a premature translational stop signal (p.Gln1588*) in the LAMB2 gene. It is expected to result in an absent or disrupted protein product. Loss-of-function variants in LAMB2 are known to be pathogenic (PMID: 15367484). This variant is present in population databases (rs775456607, gnomAD 0.009%). This variant has not been reported in the literature in individuals affected with LAMB2-related conditions. ClinVar contains an entry for this variant (Variation ID: 660396). Algorithms developed to predict the effect of sequence changes on RNA splicing suggest that this variant may disrupt the consensus splice site. For these reasons, this variant has been classified as Pathogenic.

Blueprint Genetics
Classification: Likely pathogenic for LAMB2-related disorders. Last evaluated: 2021-05-14. Review status: criteria provided, single submitter. Criteria: ACMG Guidelines, 2015. Collection method: clinical testing. Allele origin: germline. Affected: yes. Observed: 1 variant allele.

Literature cited by the submitters: PubMed 15367484 (cited by Labcorp Genetics (formerly Invitae), Labcorp).

NM_002292.4(LAMB2):c.4762C>T (p.Gln1588Ter)

Gene: LAMB2 (laminin subunit beta 2; minus strand). Cytogenetic location: 3p21.31.
Variant type: single nucleotide variant.
Coding change: c.4762C>T on transcript NM_002292.4 (MANE Select); coding-DNA position 4762, C replaced by T.
Protein change: p.Gln1588Ter; replaces glutamine 1588 with a stop codon.
Molecular consequence: nonsense.
Genome position (GRCh38, 1-based): chr3:49,122,182, G>A on the plus strand (C>T on the coding strand, the complement: LAMB2 is on the minus strand). VCF-style: chr3-49122182-G-A. GRCh37 (hg19) VCF-style: chr3-49159615-G-A.
Other names: short protein forms Q1588*.
Identifiers: ClinVar variation 660396 (VCV000660396.7), dbSNP rs775456607, ClinGen allele CA2393713.